The following is an entry in ClinVar:

ClinVar aggregate classification (germline): Likely benign (1 of 4 stars; one submission).

Allele frequency attached by ClinVar (database versions not stated): gnomAD exomes 0.00030; ESP Exome Variant Server 0.00059; ExAC 0.00080; 1000 Genomes Project 30x 0.00328; 1000 Genomes Project 0.00379.

Submission:

CeGaT Center for Human Genetics Tuebingen
Classification: Likely benign. Last evaluated: 2025-02-01. Review status: criteria provided, single submitter. Criteria: CeGaT Center For Human Genetics Tuebingen Variant Classification Criteria Version 2. Collection method: clinical testing. Allele origin: germline. Affected: yes. Observed: 3 variant alleles.
Comment: AHNAK2: BP4, BS2

NM_138420.4(AHNAK2):c.5684A>C (p.Gln1895Pro)

Gene: AHNAK2 (AHNAK nucleoprotein 2; minus strand). Cytogenetic location: 14q32.33.
Variant type: single nucleotide variant.
Coding change: c.5684A>C on transcript NM_138420.4 (MANE Select); coding-DNA position 5684, A replaced by C.
Protein change: p.Gln1895Pro; replaces glutamine 1895 with proline.
Molecular consequence: missense variant.
Genome position (GRCh38, 1-based): chr14:104,949,767, T>G on the plus strand (A>C on the coding strand, the complement: AHNAK2 is on the minus strand). VCF-style: chr14-104949767-T-G. GRCh37 (hg19) VCF-style: chr14-105416104-T-G.
Other names: c.5384A>C, p.Gln1795Pro (NM_001350929.2); short protein forms Q1795P, Q1895P.
Identifiers: ClinVar variation 2644781 (VCV002644781.24), dbSNP rs370464101, ClinGen allele CA7381573.